The following is an entry in ClinVar:

NM_003718.5(CDK13):c.376C>T (p.Pro126Ser)

Genes: CDK13 (cyclin dependent kinase 13; plus strand), LOC129998292 (ATAC-STARR-seq lymphoblastoid silent region 18115; plus strand). Cytogenetic location: 7p14.1.
Variant type: single nucleotide variant.
Coding change: c.376C>T on transcript NM_003718.5 (MANE Select); coding-DNA position 376, C replaced by T.
Protein change: p.Pro126Ser; replaces proline 126 with serine.
Molecular consequence: missense variant.
Genome position (GRCh38, 1-based): chr7:39,951,017, C>T. VCF-style: chr7-39951017-C-T. GRCh37 (hg19) VCF-style: chr7-39990616-C-T.
Other names: c.376C>T, p.Pro126Ser (NM_031267.4); short protein forms P126S.
Identifiers: ClinVar variation 3697374 (VCV003697374.2).

ClinVar aggregate classification (germline): Uncertain significance (1 of 4 stars; one submission).

gnomAD v4.1: 4 of 1,301,478 alleles (0.00031%); highest among the groups gnomAD compares: Non-Finnish European, 0.00039%; no homozygotes.

Submission:

Labcorp Genetics (formerly Invitae), Labcorp
Classification: Uncertain significance. Last evaluated: 2024-05-21. Review status: criteria provided, single submitter. Criteria: Invitae Variant Classification Sherloc (09022015). Collection method: clinical testing. Allele origin: germline.
Comment: This sequence change replaces proline, which is neutral and non-polar, with serine, which is neutral and polar, at codon 126 of the CDK13 protein (p.Pro126Ser). This variant is not present in population databases (gnomAD no frequency). This variant has not been reported in the literature in individuals affected with CDK13-related conditions. Advanced modeling of protein sequence and biophysical properties (such as structural, functional, and spatial information, amino acid conservation, physicochemical variation, residue mobility, and thermodynamic stability) performed at Invitae indicates that this missense variant is not expected to disrupt CDK13 protein function with a negative predictive value of 95%. In summary, the available evidence is currently insufficient to determine the role of this variant in disease. Therefore, it has been classified as a Variant of Uncertain Significance.